The following is an entry in ClinVar:

ClinVar aggregate classification (germline): Uncertain significance. Review status: criteria provided, multiple submitters, no conflicts (2 of 4 stars). 2 submissions from 2 submitters: Uncertain significance (2). Last evaluated 2025-08-19.

Conditions:
Dyskinesia with orofacial involvement. Identifiers: MedGen C5908309, MONDO:0031115.
ADCY5-related disorder. Also called: ADCY5-related condition.

Submissions (2):

MVZ Martinsried, Medicover Genetics
Classification: Uncertain significance for Dyskinesia with orofacial involvement. Last evaluated: 2025-08-19. Review status: criteria provided, single submitter. Criteria: ClinGen Variant Curation SOP V3.2 + Classification Guidance July2025. Collection method: clinical testing. Allele origin: inherited. Affected: yes. Observed: 1 heterozygote.

3billion
Classification: Uncertain significance for ADCY5-related disorder. Last evaluated: 2025-01-25. Review status: criteria provided, single submitter. Criteria: ACMG Guidelines, 2015. Collection method: clinical testing. Allele origin: germline. Affected: yes.
Comment: The variant is observed at an extremely low frequency in the gnomAD v4.1.0 dataset (total allele frequency: <0.001%). Predicted Consequence/Location: Missense variant In silico tool predictions suggest damaging effect of the variant on gene or gene product [REVEL: 0.83 (>=0.6, sensitivity 0.68 and specificity 0.92)]. Therefore, this variant is classified as VUS according to the recommendation of ACMG/AMP guideline.

NM_183357.3(ADCY5):c.3212C>T (p.Ala1071Val)

Gene: ADCY5 (adenylate cyclase 5; minus strand). Cytogenetic location: 3q21.1.
Variant type: single nucleotide variant.
Coding change: c.3212C>T on transcript NM_183357.3 (MANE Select); coding-DNA position 3212, C replaced by T.
Protein change: p.Ala1071Val; replaces alanine 1071 with valine.
Molecular consequence: missense variant.
Genome position (GRCh38, 1-based): chr3:123,291,228, G>A on the plus strand (C>T on the coding strand, the complement: ADCY5 is on the minus strand). VCF-style: chr3-123291228-G-A. GRCh37 (hg19) VCF-style: chr3-123010075-G-A.
Other names: c.2162C>T, p.Ala721Val (NM_001199642.1); c.3287C>T, p.Ala1096Val (NM_001378259.1); short protein forms A1071V, A1096V, A721V.
Identifiers: ClinVar variation 4293929 (VCV004293929.2).